The following is an entry in ClinVar:

ClinVar aggregate classification (germline): Uncertain significance (1 of 4 stars; one submission).

Submission:

Labcorp Genetics (formerly Invitae), Labcorp
Classification: Uncertain significance. Last evaluated: 2022-08-09. Review status: criteria provided, single submitter. Criteria: Invitae Variant Classification Sherloc (09022015). Collection method: clinical testing. Allele origin: germline.
Comment: In summary, the available evidence is currently insufficient to determine the role of this variant in disease. Therefore, it has been classified as a Variant of Uncertain Significance. Algorithms developed to predict the effect of missense changes on protein structure and function are either unavailable or do not agree on the potential impact of this missense change (SIFT: "Deleterious"; PolyPhen-2: "Benign"; Align-GVGD: "Class C0"). This variant has not been reported in the literature in individuals affected with LRP2-related conditions. This variant is not present in population databases (gnomAD no frequency). This sequence change replaces threonine, which is neutral and polar, with isoleucine, which is neutral and non-polar, at codon 2310 of the LRP2 protein (p.Thr2310Ile).

NM_004525.3(LRP2):c.6929C>T (p.Thr2310Ile)

Gene: LRP2 (LDL receptor related protein 2; minus strand). Cytogenetic location: 2q31.1.
Variant type: single nucleotide variant.
Coding change: c.6929C>T on transcript NM_004525.3 (MANE Select); coding-DNA position 6929, C replaced by T.
Protein change: p.Thr2310Ile; replaces threonine 2310 with isoleucine.
Molecular consequence: missense variant.
Genome position (GRCh38, 1-based): chr2:169,206,791, G>A on the plus strand (C>T on the coding strand, the complement: LRP2 is on the minus strand). VCF-style: chr2-169206791-G-A. GRCh37 (hg19) VCF-style: chr2-170063301-G-A.
Other names: short protein forms T2310I.
Identifiers: ClinVar variation 1715978 (VCV001715978.5), dbSNP rs2545809640, ClinGen allele CA349171925.